The following is an entry in ClinVar:

ClinVar aggregate classification (germline): Conflicting classifications of pathogenicity. Review status: criteria provided, conflicting classifications (1 of 4 stars). 3 submissions from 3 submitters: Uncertain significance (1); Likely benign (2). Last evaluated 2025-03-01.

Conditions:
Inborn genetic diseases. Identifiers: MedGen C0950123, MeSH D030342.
Fanconi anemia (FA). Also called: Fanconi's anemia. Identifiers: Orphanet 84, MedGen C0015625, MeSH D005199, MONDO:0019391.

Submissions (3):

Ambry Genetics
Classification: Likely benign for Inborn genetic diseases. Last evaluated: 2025-03-01. Review status: criteria provided, single submitter. Criteria: Ambry Variant Classification Scheme 2023. Collection method: clinical testing. Allele origin: germline.

Labcorp Genetics (formerly Invitae), Labcorp
Classification: Likely benign for Fanconi anemia. Last evaluated: 2024-11-05. Review status: criteria provided, single submitter. Criteria: Invitae Variant Classification Sherloc (09022015). Collection method: clinical testing. Allele origin: germline.

Quest Diagnostics Nichols Institute San Juan Capistrano
Classification: Uncertain significance. Last evaluated: 2023-08-02. Review status: criteria provided, single submitter. Criteria: Quest Diagnostics criteria. Collection method: clinical testing. Allele origin: unknown.
Comment: This variant has not been reported in the published literature. It also has not been reported in large, multi-ethnic general populations (Genome Aggregation Database). Analysis of this variant using software algorithms for the prediction of the effect of nucleotide changes on splicing yielded predictions that this variant does not affect FANCM mRNA splicing . Based on the available information, we are unable to determine the clinical significance of this variant.

NM_020937.4(FANCM):c.2289A>G (p.Gln763=)

Gene: FANCM (FA complementation group M; plus strand). Cytogenetic location: 14q21.2.
Variant type: single nucleotide variant.
Coding change: c.2289A>G on transcript NM_020937.4 (MANE Select); coding-DNA position 2289, A replaced by G.
Protein change: p.Gln763=; no amino-acid change (glutamine 763 retained).
Molecular consequence: synonymous variant.
Genome position (GRCh38, 1-based): chr14:45,173,183, A>G. VCF-style: chr14-45173183-A-G. GRCh37 (hg19) VCF-style: chr14-45642386-A-G.
Other names: c.2289A>G (NM_020937.3, NM_020937.2); c.2211A>G, p.Gln737= (NM_001308133.2).
Identifiers: ClinVar variation 1025042 (VCV001025042.10), dbSNP rs1431945795, ClinGen allele CA486140378.